The following is an entry in ClinVar:

NM_174936.4(PCSK9):c.1948G>A (p.Val650Ile)

Gene: PCSK9 (proprotein convertase subtilisin/kexin type 9; plus strand). Cytogenetic location: 1p32.3.
Variant type: single nucleotide variant.
Coding change: c.1948G>A on transcript NM_174936.4 (MANE Select); coding-DNA position 1948, G replaced by A.
Protein change: p.Val650Ile; replaces valine 650 with isoleucine.
Molecular consequence: missense variant.
Genome position (GRCh38, 1-based): chr1:55,063,453, G>A. VCF-style: chr1-55063453-G-A. GRCh37 (hg19) VCF-style: chr1-55529126-G-A.
Other names: c.1774G>A, p.Val592Ile (NM_001407244.1); c.1756G>A, p.Val586Ile (NM_001407245.1); c.1573G>A, p.Val525Ile (NM_001407246.1); c.1447G>A, p.Val483Ile (NM_001407247.1); c.2071G>A, p.Val691Ile (NM_001407240.1); c.1990G>A, p.Val664Ile (NM_001407241.1); c.1951G>A, p.Val651Ile (NM_001407242.1); c.1891G>A, p.Val631Ile (NM_001407243.1); short protein forms V650I, V483I, V631I, V664I, V525I, V586I, V651I, V691I.
Identifiers: ClinVar variation 369877 (VCV000369877.11), dbSNP rs767706622, ClinGen allele CA039835.

ClinVar aggregate classification (germline): Conflicting classifications of pathogenicity. Review status: criteria provided, conflicting classifications (1 of 4 stars). 5 submissions from 5 submitters: Uncertain significance (4); Likely benign (1). Last evaluated 2026-07-30.

Conditions:
Cardiovascular phenotype. Identifiers: MedGen CN230736.
Familial hypercholesterolemia. Also called: Familial hypercholesterolemias; Familial hypercholesterolaemia. Identifiers: MedGen C0020445, MONDO:0005439.
Hypercholesterolemia, familial, 1. Also called: LDL RECEPTOR DISORDER; Hyperlipoproteinemia Type IIa; HYPER-LOW-DENSITY-LIPOPROTEINEMIA; HYPERCHOLESTEROLEMIC XANTHOMATOSIS, FAMILIAL; Fredrickson type IIa hyperlipoproteinemia; Hyperlipoproteinemia type 2. Identifiers: Orphanet 391665, MedGen C0745103, MONDO:0007750, OMIM 143890.
Hypercholesterolemia, autosomal dominant, 3 (FHCL3). Also called: Familial Hypercholesterolemia, Autosomal Dominant, 3; PCSK9-Related Familial Hypercholesterolemia, Autosomal Dominant; Familial hypercholesterolemia 3. Identifiers: MedGen C1863551, MONDO:0011369, OMIM 603776.

Allele frequency attached by ClinVar (database versions not stated): ExAC 0.00002; gnomAD 0.00003; gnomAD exomes 0.00001 and 0.00002; TOPMed 0.00005; 1000 Genomes Project 30x 0.00016.
gnomAD v4.1: 22 of 1,614,106 alleles (0.0014%); highest among the groups gnomAD compares: African/African-American, 0.004%; no homozygotes.

Submissions (5):

Ambry Genetics
Classification: Likely benign for Cardiovascular phenotype. Last evaluated: 2026-07-30. Review status: criteria provided, single submitter. Criteria: Ambry Variant Classification Scheme 2023. Collection method: clinical testing. Allele origin: germline.

Color Diagnostics, LLC DBA Color Health
Classification: Uncertain significance for Familial hypercholesterolemia. Last evaluated: 2025-06-09. Review status: criteria provided, single submitter. Criteria: ACMG Guidelines, 2015. Collection method: clinical testing. Allele origin: germline.
Comment: This missense variant replaces valine with isoleucine at codon 650 of the PCSK9 protein. Computational prediction suggests that this variant may not impact protein structure and function. A functional study has reported that this variant increased PCSK9 processing (PMID: 29728531). This variant has not been reported in individuals affected with PCSK9-related disorders in the literature. This variant has been identified in 5/282016 chromosomes in the general population by the Genome Aggregation Database (gnomAD). The available evidence is insufficient to determine the role of this variant in disease conclusively. Therefore, this variant is classified as a Variant of Uncertain Significance.

All of Us Research Program, National Institutes of Health
Classification: Uncertain significance for Hypercholesterolemia, autosomal dominant, 3. Last evaluated: 2024-01-03. Review status: criteria provided, single submitter. Criteria: ACMG Guidelines, 2015. Collection method: clinical testing. Allele origin: germline. Inheritance: Autosomal dominant inheritance. Observed: 3 variant alleles, 3 heterozygotes.
Comment: This missense variant replaces valine with isoleucine at codon 650 of the PCSK9 protein. Computational prediction suggests that this variant may not impact protein structure and function (internally defined REVEL score threshold <= 0.5, PMID: 27666373). A functional study has reported that this variant increased PCSK9 processing (PMID: 29728531). This variant has not been reported in individuals affected with familial hypercholesterolemia in the literature. This variant has been identified in 5/282016 chromosomes in the general population by the Genome Aggregation Database (gnomAD). The available evidence is insufficient to determine the role of this variant in disease conclusively. Therefore, this variant is classified as a Variant of Uncertain Significance.

This study involves interpretation of variants in research participants for the purpose of population health screening. Participant phenotype was not available at the time of variant classification. Additional details can be found in publication PMID: 35346344, PMCID: PMC8962531

Labcorp Genetics (formerly Invitae), Labcorp
Classification: Uncertain significance for Hypercholesterolemia, autosomal dominant, 3. Last evaluated: 2021-11-17. Review status: criteria provided, single submitter. Criteria: Invitae Variant Classification Sherloc (09022015). Collection method: clinical testing. Allele origin: germline.
Comment: This sequence change replaces valine, which is neutral and non-polar, with isoleucine, which is neutral and non-polar, at codon 650 of the PCSK9 protein (p.Val650Ile). This variant is present in population databases (rs767706622, gnomAD 0.01%). This variant has not been reported in the literature in individuals affected with PCSK9-related conditions. ClinVar contains an entry for this variant (Variation ID: 369877). Advanced modeling of protein sequence and biophysical properties (such as structural, functional, and spatial information, amino acid conservation, physicochemical variation, residue mobility, and thermodynamic stability) performed at Invitae indicates that this missense variant is not expected to disrupt PCSK9 protein function. In summary, the available evidence is currently insufficient to determine the role of this variant in disease. Therefore, it has been classified as a Variant of Uncertain Significance.

Robarts Research Institute, Western University
Classification: Uncertain significance for Hypercholesterolemia, familial, 1. Review status: criteria provided, single submitter. Criteria: Wang et al. (Arterioscler Thromb Vasc Biol. 2016). Collection method: clinical testing. Allele origin: germline. Inheritance: Autosomal dominant inheritance. Affected: yes. Observed: 1 variant allele.

Literature cited by the submitters: PubMed 29259136 (cited by Ambry Genetics); PubMed 39769230 (cited by Ambry Genetics); PubMed 29728531 (cited by Color Diagnostics, LLC DBA Color Health and All of Us Research Program, National Institutes of Health).